The following is an entry in ClinVar:

NM_014714.4(IFT140):c.3862G>A (p.Ala1288Thr)

Gene: IFT140 (intraflagellar transport 140; minus strand). Cytogenetic location: 16p13.3.
Variant type: single nucleotide variant.
Coding change: c.3862G>A on transcript NM_014714.4 (MANE Select); coding-DNA position 3862, G replaced by A.
Protein change: p.Ala1288Thr; replaces alanine 1288 with threonine.
Molecular consequence: missense variant.
Genome position (GRCh38, 1-based): chr16:1,520,142, C>T on the plus strand (G>A on the coding strand, the complement: IFT140 is on the minus strand). VCF-style: chr16-1520142-C-T. GRCh37 (hg19) VCF-style: chr16-1570143-C-T.
Other names: short protein forms A1288T.
Identifiers: ClinVar variation 2168493 (VCV002168493.4), dbSNP rs759103673, ClinGen allele CA7813018.

ClinVar aggregate classification (germline): Uncertain significance (1 of 4 stars; one submission).

Conditions:
Saldino-Mainzer syndrome (SRTD9). Also called: short-rib thoracic dysplasia 9 with or without polydactyly; CONORENAL SYNDROME; Renal dysplasia, retinal pigmentary dystrophy, cerebellar ataxia and skeletal dysplasia; SHORT-RIB THORACIC DYSPLASIA 9 WITHOUT POLYDACTYLY. Identifiers: Orphanet 140969, MedGen C1849437, MONDO:0009964, OMIM 266920.

Allele frequency attached by ClinVar (database versions not stated): gnomAD exomes 0.00002; ExAC 0.00007.
gnomAD v4.1: 27 of 1,614,110 alleles (0.0017%); highest among the groups gnomAD compares: South Asian, 0.024%; no homozygotes.

Submission:

Labcorp Genetics (formerly Invitae), Labcorp
Classification: Uncertain significance for Saldino-Mainzer syndrome. Last evaluated: 2022-11-01. Review status: criteria provided, single submitter. Criteria: Invitae Variant Classification Sherloc (09022015). Collection method: clinical testing. Allele origin: germline.
Comment: This sequence change replaces alanine, which is neutral and non-polar, with threonine, which is neutral and polar, at codon 1288 of the IFT140 protein (p.Ala1288Thr). Advanced modeling of protein sequence and biophysical properties (such as structural, functional, and spatial information, amino acid conservation, physicochemical variation, residue mobility, and thermodynamic stability) performed at Invitae indicates that this missense variant is not expected to disrupt IFT140 protein function. This variant has not been reported in the literature in individuals affected with IFT140-related conditions. This variant is present in population databases (rs759103673, gnomAD 0.03%). In summary, the available evidence is currently insufficient to determine the role of this variant in disease. Therefore, it has been classified as a Variant of Uncertain Significance.